The following is an entry in ClinVar:

ClinVar aggregate classification (germline): Uncertain significance. Review status: criteria provided, multiple submitters, no conflicts (2 of 4 stars). 2 submissions from 2 submitters: Uncertain significance (2). Last evaluated 2025-04-30.

Conditions:
Hereditary cancer-predisposing syndrome. Also called: Neoplastic Syndromes, Hereditary; Tumor predisposition; Hereditary neoplastic syndrome; Hereditary Cancer Syndrome. Identifiers: Orphanet 140162, MedGen C0027672, MeSH D009386, MONDO:0015356.
Ataxia-telangiectasia syndrome (AT). Also called: ATAXIA-TELANGIECTASIA, COMPLEMENTATION GROUP A; ATAXIA-TELANGIECTASIA, FRESNO VARIANT; Ataxia-telangiectasia, complementation group E; Cerebello-oculocutaneous telangiectasia; Immunodeficiency with ataxia telangiectasia; Ataxia telangiectasia (A-T). Identifiers: Orphanet 100, MedGen C0004135, MONDO:0008840, OMIM 208900.

Submissions (2):

Ambry Genetics
Classification: Uncertain significance for Hereditary cancer-predisposing syndrome. Last evaluated: 2025-04-30. Review status: criteria provided, single submitter. Criteria: Ambry Variant Classification Scheme 2023. Collection method: clinical testing. Allele origin: germline.
Comment: The c.657_658delTGinsCA variant (also known as p.A220T), located in coding exon 5 of the ATM gene, results from an in-frame deletion of TG and insertion of CA at nucleotide positions 657 to 658. This results in the substitution of the alanine residue for a threonine residue at codon 220, an amino acid with similar properties. This amino acid position is well conserved in available vertebrate species. In addition, this alteration is predicted to be neutral by in silico analysis (Choi Y et al. PLoS ONE. 2012; 7(10):e46688). Since supporting evidence is limited at this time, the clinical significance of this alteration remains unclear.

Labcorp Genetics (formerly Invitae), Labcorp
Classification: Uncertain significance for Ataxia-telangiectasia syndrome. Last evaluated: 2021-12-27. Review status: criteria provided, single submitter. Criteria: Invitae Variant Classification Sherloc (09022015). Collection method: clinical testing. Allele origin: germline.
Comment: This sequence change replaces alanine, which is neutral and non-polar, with threonine, which is neutral and polar, at codon 220 of the ATM protein (p.Ala220Thr). Information on the frequency of this variant in the gnomAD database is not available, as this variant may be reported differently in the database. This variant has not been reported in the literature in individuals affected with ATM-related conditions. Algorithms developed to predict the effect of missense changes on protein structure and function output the following: SIFT: "Not Available"; PolyPhen-2: "Not Available"; Align-GVGD: "Not Available". The threonine amino acid residue is found in multiple mammalian species, which suggests that this missense change does not adversely affect protein function. In summary, the available evidence is currently insufficient to determine the role of this variant in disease. Therefore, it has been classified as a Variant of Uncertain Significance.

NM_000051.4(ATM):c.657_658inv (p.Ala220Thr)

Gene: ATM (ATM serine/threonine kinase; plus strand). Cytogenetic location: 11q22.3.
Variant type: Inversion.
Coding change: c.657_658inv on transcript NM_000051.4 (MANE Select).
Protein change: p.Ala220Thr; replaces alanine 220 with threonine.
Molecular consequence: missense variant.
Genome position: GRCh38 VCF-style: chr11-108244113-TG-CA. GRCh37 (hg19) VCF-style: chr11-108114840-TG-CA.
Other names: c.657_658delTGinsCA (NM_000051.3); c.657_658inv, p.Ala220Thr (NM_001351834.2); short protein forms A220T.
Identifiers: ClinVar variation 1926595 (VCV001926595.6), ClinGen allele CA2580083217.
Genomic context (GRCh38, chr11:108,244,113, plus strand): 5'-TTCTCAGACTGACGGATTAAATTCCAAATTTTTGGACTTTTTTTCCAAGGCTATTCAGTG[TG>CA]CGAGGTAATCTAATCTCTTTTTCTTTTGTTTTGTATTGAAATACTTTTGATCTTGCAAGA-3'
Protein context (NP_000042.3, residues 210-230): LDFFSKAIQC[Ala220Thr]RQEKSSSGLN